The following is an entry in ClinVar:

ClinVar aggregate classification (germline): Uncertain significance (1 of 4 stars; one submission).

Conditions:
Perlman syndrome (PRLMNS). Identifiers: Orphanet 2849, MedGen C0796113, MONDO:0009965, OMIM 267000.

Allele frequency attached by ClinVar (database versions not stated): ExAC 0.00001; gnomAD 0.00001; 1000 Genomes Project 30x 0.00016; 1000 Genomes Project 0.00020.
gnomAD v4.1: 2 of 1,612,292 alleles (0.00012%); highest among the groups gnomAD compares: African/African-American, 0.0027%; no homozygotes.

Submission:

Labcorp Genetics (formerly Invitae), Labcorp
Classification: Uncertain significance for Perlman syndrome. Last evaluated: 2023-07-21. Review status: criteria provided, single submitter. Criteria: Invitae Variant Classification Sherloc (09022015). Collection method: clinical testing. Allele origin: germline.
Comment: In summary, the available evidence is currently insufficient to determine the role of this variant in disease. Therefore, it has been classified as a Variant of Uncertain Significance. Advanced modeling of protein sequence and biophysical properties (such as structural, functional, and spatial information, amino acid conservation, physicochemical variation, residue mobility, and thermodynamic stability) performed at Invitae indicates that this missense variant is not expected to disrupt DIS3L2 protein function. This variant has not been reported in the literature in individuals affected with DIS3L2-related conditions. This variant is present in population databases (rs566391334, gnomAD 0.007%). This sequence change replaces histidine, which is basic and polar, with glutamine, which is neutral and polar, at codon 712 of the DIS3L2 protein (p.His712Gln).

NM_152383.5(DIS3L2):c.2136C>G (p.His712Gln)

Gene: DIS3L2 (DIS3 like 3'-5' exoribonuclease 2; plus strand). Cytogenetic location: 2q37.1.
Variant type: single nucleotide variant.
Coding change: c.2136C>G on transcript NM_152383.5 (MANE Select); coding-DNA position 2136, C replaced by G.
Protein change: p.His712Gln; replaces histidine 712 with glutamine.
Molecular consequence: missense variant. On other transcripts: non-coding transcript variant (2), intron variant (1).
Genome position (GRCh38, 1-based): chr2:232,333,965, C>G. VCF-style: chr2-232333965-C-G. GRCh37 (hg19) VCF-style: chr2-233198675-C-G.
Other names: c.1582-9380C>G (NM_001257281.2); short protein forms H712Q.
Identifiers: ClinVar variation 2745754 (VCV002745754.3), dbSNP rs566391334, ClinGen allele CA2164400.